The following is an entry in ClinVar:

ClinVar aggregate classification (germline): Likely benign (1 of 4 stars; one submission).

gnomAD v4.1: 5,157 of 1,605,218 alleles (0.32%); highest among the groups gnomAD compares: South Asian, 0.61%; 34 homozygotes.

Submission:

CeGaT Center for Human Genetics Tuebingen
Classification: Likely benign. Last evaluated: 2024-10-01. Review status: criteria provided, single submitter. Criteria: CeGaT Center For Human Genetics Tuebingen Variant Classification Criteria Version 2. Collection method: clinical testing. Allele origin: germline. Affected: yes. Observed: 2 variant alleles.
Comment: MNS1: BP4, BS2

NM_018365.4(MNS1):c.457-7A>C

Genes: MNS1 (meiosis specific nuclear structural 1; minus strand), TEX9 (testis expressed 9; plus strand). Cytogenetic location: 15q21.3.
Variant type: single nucleotide variant.
Coding change: c.457-7A>C on transcript NM_018365.4 (MANE Select); 7 bases into the intron before coding-DNA position 457, A replaced by C.
Molecular consequence: intron variant.
Genome position (GRCh38, 1-based): chr15:56,444,680, T>G on the plus strand (A>C on the coding strand, the complement: MNS1 is on the minus strand). VCF-style: chr15-56444680-T-G. GRCh37 (hg19) VCF-style: chr15-56736878-T-G.
Other names: c.*30-991T>G (NM_001286449.2, NM_198524.3).
Identifiers: ClinVar variation 3387920 (VCV003387920.14).
Genomic context (GRCh38, chr15:56,444,680, plus strand): 5'-TATTATTCTCTTGTGTTCTTCCATCATGGTTTTGGCTATTTCAGCATCACGTTTCTGTTA[T>G]TAAAACAAAATTGATCTTTCCGTTTTCAAATTTGAACATAGTACGATAGTATATTTTACA-3'